The following is an entry in ClinVar:

NM_001382567.1(STIM1):c.1634+11G>A

Gene: STIM1 (stromal interaction molecule 1; plus strand). Cytogenetic location: 11p15.4.
Variant type: single nucleotide variant.
Coding change: c.1634+11G>A on transcript NM_001382567.1 (MANE Select); 11 bases into the intron after coding-DNA position 1634, G replaced by A.
Molecular consequence: intron variant. On other transcripts: missense variant (2).
Genome position (GRCh38, 1-based): chr11:4,086,554, G>A. VCF-style: chr11-4086554-G-A. GRCh37 (hg19) VCF-style: chr11-4107784-G-A.
Other names: c.1552G>A, p.Gly518Ser (NM_001277961.3); c.1330G>A, p.Gly444Ser (NM_001382566.1); c.1319+11G>A (NM_001382578.1, NM_001382575.1, NM_001382576.1 and 2 more transcripts); c.1052+11G>A (NM_001382580.1, NM_001382581.1); c.1562+11G>A (NM_001382568.1); c.1541+11G>A (NM_001277962.2, NM_003156.4); c.1313+11G>A (NM_001382570.1); c.1406+11G>A (NM_001382569.1); and 1 more; short protein forms G518S, G444S.
Identifiers: ClinVar variation 418810 (VCV000418810.9), dbSNP rs199732479, ClinGen allele CA5830529.

ClinVar aggregate classification (germline): Likely benign. Review status: criteria provided, multiple submitters, no conflicts (2 of 4 stars). 2 submissions from 2 submitters: Likely benign (2). Last evaluated 2025-12-29.

Conditions:
Stormorken syndrome (STRMK). Also called: THROMBOCYTOPATHY, ASPLENIA, AND MIOSIS. Identifiers: Orphanet 3204, MedGen C1861451, MONDO:0008497, OMIM 185070.
Myopathy with tubular aggregates (TAM). Also called: Tubular Aggregate Myopathy. Identifiers: Orphanet 2593, MedGen C0410207, MONDO:0008051.
Combined immunodeficiency due to STIM1 deficiency. Also called: IMMUNODEFICIENCY 10; STIM1 DEFICIENCY. Identifiers: Orphanet 169090, Orphanet 317430, MedGen C2748557, MONDO:0013008, OMIM 612783.

Allele frequency attached by ClinVar (database versions not stated): TOPMed 0.00010; gnomAD 0.00011 and 0.00013; gnomAD exomes 0.00021; ExAC 0.00032; ESP Exome Variant Server 0.00046.
gnomAD v4.1: 289 of 1,613,866 alleles (0.018%); highest among the groups gnomAD compares: Admixed American, 0.038%; 1 homozygote.

Submissions (2):

Labcorp Genetics (formerly Invitae), Labcorp
Classification: Likely benign for Myopathy with tubular aggregates; Combined immunodeficiency due to STIM1 deficiency; Stormorken syndrome. Last evaluated: 2025-12-29. Review status: criteria provided, single submitter. Criteria: Invitae Variant Classification Sherloc (09022015). Collection method: clinical testing. Allele origin: germline.

GeneDx
Classification: Likely benign. Last evaluated: 2017-03-01. Review status: criteria provided, single submitter. Criteria: GeneDx Variant Classification (06012015). Collection method: clinical testing. Allele origin: germline. Affected: yes.
Comment: This variant is considered likely benign or benign based on one or more of the following criteria: it is a conservative change, it occurs at a poorly conserved position in the protein, it is predicted to be benign by multiple in silico algorithms, and/or has population frequency not consistent with disease.